The following is an entry in ClinVar:

NM_000553.6(WRN):c.1342A>C (p.Met448Leu)

Gene: WRN (WRN RecQ like helicase; plus strand). Cytogenetic location: 8p12.
Variant type: single nucleotide variant.
Coding change: c.1342A>C on transcript NM_000553.6 (MANE Select); coding-DNA position 1342, A replaced by C.
Protein change: p.Met448Leu; replaces methionine 448 with leucine.
Molecular consequence: missense variant.
Genome position (GRCh38, 1-based): chr8:31,083,771, A>C. VCF-style: chr8-31083771-A-C. GRCh37 (hg19) VCF-style: chr8-30941287-A-C.
Other names: short protein forms M448L.
Identifiers: ClinVar variation 1360075 (VCV001360075.6), dbSNP rs2130133720, ClinGen allele CA370922884.

ClinVar aggregate classification (germline): Uncertain significance (1 of 4 stars; one submission).

Conditions:
Werner syndrome (WRN). Identifiers: Orphanet 902, MedGen C0043119, MONDO:0010196, OMIM 277700.

Submission:

Labcorp Genetics (formerly Invitae), Labcorp
Classification: Uncertain significance for Werner syndrome. Last evaluated: 2024-10-29. Review status: criteria provided, single submitter. Criteria: Invitae Variant Classification Sherloc (09022015). Collection method: clinical testing. Allele origin: germline.
Comment: This sequence change replaces methionine with leucine at codon 448 of the WRN protein (p.Met448Leu). The methionine residue is weakly conserved and there is a small physicochemical difference between methionine and leucine. This variant is not present in population databases (gnomAD no frequency). This variant has not been reported in the literature in individuals affected with WRN-related conditions. ClinVar contains an entry for this variant (Variation ID: 1360075). An algorithm developed to predict the effect of missense changes on protein structure and function (PolyPhen-2) suggests that this variant is likely to be tolerated. In summary, the available evidence is currently insufficient to determine the role of this variant in disease. Therefore, it has been classified as a Variant of Uncertain Significance.